The following is an entry in ClinVar:

NM_000443.4(ABCB4):c.2169dup (p.Leu724fs)

Gene: ABCB4 (ATP binding cassette subfamily B member 4; minus strand). Cytogenetic location: 7q21.12.
Variant type: Duplication.
Coding change: c.2169dup on transcript NM_000443.4 (MANE Select); coding-DNA position 2169, one base duplicated (G; older notation c.2169dupG).
Protein change: p.Leu724fs; shifts the reading frame from leucine 724.
Molecular consequence: frameshift variant.
Genome position (GRCh38, 1-based): chr7:87,423,948, C duplicated on the plus strand (G on the coding strand, the reverse complement: ABCB4 is on the minus strand); the first of 6 consecutive C bases (chr7:87,423,948-87,423,953); duplicating any one gives the same sequence. VCF-style (leftmost placement, unchanged base first): chr7-87423947-G-GC. GRCh37 (hg19) VCF-style: chr7-87053263-G-GC.
Other names: c.2169dup, p.Leu724fs (NM_018849.3, NM_018850.3); short protein forms L724fs.
Identifiers: ClinVar variation 13694 (VCV000013694.3), dbSNP rs387906529, ClinGen allele CA123365.

ClinVar aggregate classification (germline): Pathogenic. Review status: criteria provided, single submitter (1 of 4 stars). 2 submissions from 2 submitters: Pathogenic (1). 1 of the submissions does not count toward it. Last evaluated 2026-04-14.

Conditions:
Familial intrahepatic cholestasis. Identifiers: Orphanet 284385, MedGen CN296401, MONDO:0017290.
Progressive familial intrahepatic cholestasis type 3. Also called: MDR3 DEFICIENCY; Low Gamma-GT Familial Intrahepatic Cholestasis. Identifiers: Orphanet 79305, MedGen C1865643, MONDO:0011214, OMIM 602347.

Submissions (2):

Genomenon, Inc
Classification: Pathogenic for Familial intrahepatic cholestasis. Last evaluated: 2026-04-14. Review status: criteria provided, single submitter. Criteria: Genomenon Sequence Variant Interpretation Standards - Updated. Collection method: curation. Allele origin: germline. Affected: yes.
Comment: ABCB4 p.Leu724AlafsTer21 (c.2169dup) is a frameshift variant that results in the production of a truncated protein which is predicted to undergo nonsense-mediated mRNA decay. This variant has been observed in at least one proband with an ABCB4-related disorder (PMID:21119540). The variant was found to segregate with disease in at least one affected family (PMID:21119540). It is absent or not present at a significant frequency in gnomAD. In conclusion, we classify ABCB4 p.Leu724AlafsTer21 (c.2169dup) as a pathogenic variant.

OMIM
Classification: Pathogenic for CHOLESTASIS, PROGRESSIVE FAMILIAL INTRAHEPATIC 3. Last evaluated: 1998-01-06. Review status: no assertion criteria provided. Collection method: literature only. Allele origin: germline. Not counted in ClinVar's aggregate classification.

Literature cited by the submitters: PubMed 21119540 (cited by Genomenon, Inc); PubMed 9419367 (cited by OMIM).